The following is an entry in ClinVar:

NM_183050.4(BCKDHB):c.408dup (p.Ala137fs)

Gene: BCKDHB (branched chain keto acid dehydrogenase E1 subunit beta; plus strand). Cytogenetic location: 6q14.1.
Variant type: Duplication.
Coding change: c.408dup on transcript NM_183050.4 (MANE Select); coding-DNA position 408, one base duplicated (T; older notation c.408dupT).
Protein change: p.Ala137fs; shifts the reading frame from alanine 137.
Molecular consequence: frameshift variant. On other transcripts: non-coding transcript variant (6).
Genome position (GRCh38, 1-based): chr6:80,167,742, T duplicated; the last of 2 consecutive T bases (chr6:80,167,741-80,167,742); duplicating either gives the same sequence. VCF-style (leftmost placement, unchanged base first): chr6-80167740-A-AT. GRCh37 (hg19) VCF-style: chr6-80877457-A-AT.
Other names: c.198dup, p.Ala67fs (NM_001424043.1, NM_001318975.1); c.408dup, p.Ala137fs (NM_001424044.1, NM_001424045.1, NM_001424036.1 and 8 more transcripts); short protein forms A67fs, A137fs.
Identifiers: ClinVar variation 3655203 (VCV003655203.2).
Genomic context (GRCh38, chr6:80,167,740, plus strand): 5'-AAAGATAGAGTTTTTAATACCCCATTGTGTGAACAAGGAATTGTTGGATTTGGAATCGGA[A>AT]TTGCGGTCACTGGAGCTACTGCCATTGCGGAAATTCAGTTTGCAGATTATATTTTCCCTG-3'

ClinVar aggregate classification (germline): Pathogenic (1 of 4 stars; one submission).

Conditions:
Maple syrup urine disease (MSUD). Identifiers: Orphanet 511, MedGen C0024776, MeSH D008375, MONDO:0009563. Disease mechanism: loss of function.

Submission:

Labcorp Genetics (formerly Invitae), Labcorp
Classification: Pathogenic for Maple syrup urine disease. Last evaluated: 2024-05-31. Review status: criteria provided, single submitter. Criteria: Invitae Variant Classification Sherloc (09022015). Collection method: clinical testing. Allele origin: germline.
Comment: This sequence change creates a premature translational stop signal (p.Ala137Cysfs*22) in the BCKDHB gene. It is expected to result in an absent or disrupted protein product. Loss-of-function variants in BCKDHB are known to be pathogenic (PMID: 16786533, 22593002). This variant is not present in population databases (gnomAD no frequency). This variant has not been reported in the literature in individuals affected with BCKDHB-related conditions. For these reasons, this variant has been classified as Pathogenic.

Literature cited by the submitters: PubMed 16786533; PubMed 22593002.